The following is an entry in ClinVar:

ClinVar aggregate classification (germline): Uncertain significance. Review status: criteria provided, multiple submitters, no conflicts (2 of 4 stars). 4 submissions from 4 submitters: Uncertain significance (4). Last evaluated 2026-02-25.

Conditions:
Nephronophthisis 12 (NPHP12). Identifiers: Orphanet 655, MedGen C3151186, MONDO:0013442, OMIM 613820.
Asphyxiating thoracic dystrophy 4 (SRTD4). Also called: SHORT-RIB THORACIC DYSPLASIA 4 WITH OR WITHOUT POLYDACTYLY; SHORT-RIB THORACIC DYSPLASIA 4. Identifiers: Orphanet 474, MedGen C3151185, MONDO:0013441, OMIM 613819.
TTC21B-related disorder. Also called: TTC21B-related disorders; TTC21B-related condition.
Inborn genetic diseases. Identifiers: MedGen C0950123, MeSH D030342.
Nephronophthisis. Also called: Juvenile Nephronophthisis. Identifiers: Orphanet 655, MedGen C0687120, MONDO:0019005, HP:0000090.
Jeune thoracic dystrophy. Also called: Jeune syndrome; Infantile thoracic dystrophy; Thoracic pelvic phalangeal dystrophy; Jeune's syndrome; Chondroectodermal dysplasia-like syndrome; Short-rib thoracic dysplasia. Identifiers: Orphanet 474, MedGen C0265275, MONDO:0018770.

Allele frequency attached by ClinVar (database versions not stated): gnomAD exomes below 0.00001 and 0.00001; gnomAD 0.00001; TOPMed 0.00002.
gnomAD v4.1: 7 of 1,613,496 alleles (0.00043%); highest among the groups gnomAD compares: East Asian, 0.011%; no homozygotes.

Submissions (4):

PreventionGenetics, part of Exact Sciences
Classification: Uncertain significance for TTC21B-related condition. Last evaluated: 2026-02-25. Review status: criteria provided, single submitter. Criteria: ACMG Guidelines, 2015. Collection method: clinical testing. Allele origin: germline.
Comment: The TTC21B c.3668G>T variant is predicted to result in the amino acid substitution p.Cys1223Phe. To our knowledge, this variant has not been reported in the literature. This variant is reported in 0.0062% of alleles in individuals of African descent in gnomAD. At this time, the clinical significance of this variant is uncertain due to the absence of conclusive functional and genetic evidence.

Ambry Genetics
Classification: Uncertain significance for Inborn genetic diseases. Last evaluated: 2023-11-17. Review status: criteria provided, single submitter. Criteria: Ambry Variant Classification Scheme 2023. Collection method: clinical testing. Allele origin: germline.

Labcorp Genetics (formerly Invitae), Labcorp
Classification: Uncertain significance for Jeune thoracic dystrophy; Nephronophthisis. Last evaluated: 2022-07-19. Review status: criteria provided, single submitter. Criteria: Invitae Variant Classification Sherloc (09022015). Collection method: clinical testing. Allele origin: germline.
Comment: Algorithms developed to predict the effect of missense changes on protein structure and function are either unavailable or do not agree on the potential impact of this missense change (SIFT: "Deleterious"; PolyPhen-2: "Probably Damaging"; Align-GVGD: "Class C0"). ClinVar contains an entry for this variant (Variation ID: 1418750). This variant has not been reported in the literature in individuals affected with TTC21B-related conditions. This variant is present in population databases (no rsID available, gnomAD 0.007%). This sequence change replaces cysteine, which is neutral and slightly polar, with phenylalanine, which is neutral and non-polar, at codon 1223 of the TTC21B protein (p.Cys1223Phe). In summary, the available evidence is currently insufficient to determine the role of this variant in disease. Therefore, it has been classified as a Variant of Uncertain Significance.

Fulgent Genetics
Classification: Uncertain significance for Asphyxiating thoracic dystrophy 4; Nephronophthisis 12. Last evaluated: 2022-04-19. Review status: criteria provided, single submitter. Criteria: ACMG Guidelines, 2015. Collection method: clinical testing. Allele origin: unknown.

NM_024753.5(TTC21B):c.3668G>T (p.Cys1223Phe)

Gene: TTC21B (tetratricopeptide repeat domain 21B; minus strand). Cytogenetic location: 2q24.3.
Variant type: single nucleotide variant.
Coding change: c.3668G>T on transcript NM_024753.5 (MANE Select); coding-DNA position 3668, G replaced by T.
Protein change: p.Cys1223Phe; replaces cysteine 1223 with phenylalanine.
Molecular consequence: missense variant.
Genome position (GRCh38, 1-based): chr2:165,883,810, C>A on the plus strand (G>T on the coding strand, the complement: TTC21B is on the minus strand). VCF-style: chr2-165883810-C-A. GRCh37 (hg19) VCF-style: chr2-166740320-C-A.
Other names: c.3668G>T (NM_024753.3, NM_024753.4); short protein forms C1223F.
Identifiers: ClinVar variation 1418750 (VCV001418750.9), dbSNP rs1225739712, ClinGen allele CA349046419.
Genomic context (GRCh38, chr2:165,883,810, plus strand): 5'-TGCAACAAAGGTCAATAATTATTTTTTACTCTTCAATCACCTACTCTATTATGACGCAGG[C>A]ACCGTTTTAACAGGTCTTCTGCCATGTCATATTTTGCTGATTGAATGTAAATATCAGCAA-3'
Protein context (NP_079029.3, residues 1213-1233): YDMAEDLLKR[Cys1223Phe]LRHNRSCCKA